The following is an entry in ClinVar:

ClinVar aggregate classification (germline): Pathogenic. Review status: criteria provided, multiple submitters, no conflicts (2 of 4 stars). 2 submissions from 2 submitters: Pathogenic (2). Last evaluated 2025-12-08.

Conditions:
Early Infantile Epileptic Encephalopathy, Autosomal Recessive.
Autosomal recessive spinocerebellar ataxia 12. Also called: SPINOCEREBELLAR ATAXIA WITH MENTAL RETARDATION AND EPILEPSY. Identifiers: Orphanet 284282, MedGen C3280452, MONDO:0013687, OMIM 614322.
Developmental and epileptic encephalopathy, 1 (DEE1). Also called: INFANTILE SPASM SYNDROME, X-LINKED 1; Epileptic encephalopathy, early infantile, 1; X-linked infantile spasms; West's syndrome; Tonic spasms with clustering, arrest of psychomotor development and hypsarrhythmia on EEG; X-Linked Infantile Spasm Syndrome. Identifiers: MedGen C3463992, MONDO:0010632, OMIM 308350. Disease mechanism: loss of function.

gnomAD v4.1: 2 of 1,614,000 alleles (0.00012%); no homozygotes.

Submissions (2):

Labcorp Genetics (formerly Invitae), Labcorp
Classification: Pathogenic for Developmental and epileptic encephalopathy, 1; Autosomal recessive spinocerebellar ataxia 12. Last evaluated: 2025-12-08. Review status: criteria provided, single submitter. Criteria: Invitae Variant Classification Sherloc (09022015). Collection method: clinical testing. Allele origin: germline.
Comment: This sequence change affects an acceptor splice site in intron 2 of the WWOX gene. It is expected to disrupt RNA splicing. Variants that disrupt the donor or acceptor splice site typically lead to a loss of protein function (PMID: 16199547), and loss-of-function variants in WWOX are known to be pathogenic (PMID: 24456803, 25411445). This variant is not present in population databases (gnomAD no frequency). Disruption of this splice site has been observed in individual(s) with early infantile epileptic encephalopathy (PMID: 27848944). In at least one individual the data is consistent with being in trans (on the opposite chromosome) from a pathogenic variant. ClinVar contains an entry for this variant (Variation ID: 2114515). Algorithms developed to predict the effect of sequence changes on RNA splicing suggest that this variant may disrupt the consensus splice site. For these reasons, this variant has been classified as Pathogenic.

Women's Health and Genetics/Laboratory Corporation of America, LabCorp
Classification: Pathogenic. Last evaluated: 2025-09-23. Review status: criteria provided, single submitter. Criteria: LabCorp Variant Classification Summary - May 2015. Collection method: clinical testing. Allele origin: germline.
Comment: Variant summary: WWOX c.173-1G>C is located in a canonical splice-site and is predicted to affect mRNA splicing resulting in a significantly altered protein due to either exon skipping, shortening, or inclusion of intronic material. Variants that disrupt the consensus splice site are a relatively common cause of aberrant splicing and loss of WWOX function. Several computational tools predict a significant impact on normal splicing: Four predict the variant abolishes a 3' acceptor site. However, these predictions have yet to be confirmed by functional studies. The variant was absent in 249494 control chromosomes. To our knowledge, no occurrence of c.173-1G>C in individuals affected with WWOX-related conditions and no experimental evidence demonstrating its impact on protein function have been reported. An alternate variant affecting the same splice acceptor site (c.173-1G>T) has been classified as Pathogenic in ClinVar. ClinVar contains an entry for this variant (Variation ID: 2114515). Based on the evidence outlined above, the variant was classified as pathogenic.

Literature cited by the submitters: PubMed 16199547 (cited by Labcorp Genetics (formerly Invitae), Labcorp); PubMed 24456803 (cited by Labcorp Genetics (formerly Invitae), Labcorp); PubMed 25411445 (cited by Labcorp Genetics (formerly Invitae), Labcorp); PubMed 27848944 (cited by Labcorp Genetics (formerly Invitae), Labcorp).

NM_016373.4(WWOX):c.173-1G>C

Gene: WWOX (WW domain containing oxidoreductase; plus strand). Cytogenetic location: 16q23.1.
Variant type: single nucleotide variant.
Coding change: c.173-1G>C on transcript NM_016373.4 (MANE Select); the canonical splice acceptor site of the intron before coding-DNA position 173, G replaced by C.
Molecular consequence: splice acceptor variant.
Genome position (GRCh38, 1-based): chr16:78,109,777, G>C. VCF-style: chr16-78109777-G-C. GRCh37 (hg19) VCF-style: chr16-78143674-G-C.
Other names: c.-167-1G>C (NM_001291997.2); c.173-1G>C (NM_130791.5).
Identifiers: ClinVar variation 2114515 (VCV002114515.5), dbSNP rs1232899835, ClinGen allele CA396842122.